The following is an entry in ClinVar:

NM_005733.3(KIF20A):c.748C>T (p.Arg250Trp)

Gene: KIF20A (kinesin family member 20A; plus strand). Cytogenetic location: 5q31.2.
Variant type: single nucleotide variant.
Coding change: c.748C>T on transcript NM_005733.3 (MANE Select); coding-DNA position 748, C replaced by T.
Protein change: p.Arg250Trp; replaces arginine 250 with tryptophan.
Molecular consequence: missense variant.
Genome position (GRCh38, 1-based): chr5:138,182,906, C>T. VCF-style: chr5-138182906-C-T. GRCh37 (hg19) VCF-style: chr5-137518595-C-T.
Other names: short protein forms R250W.
Identifiers: ClinVar variation 1517509 (VCV001517509.8), dbSNP rs773275190, ClinGen allele CA3426391.

ClinVar aggregate classification (germline): Uncertain significance (1 of 4 stars; one submission).

Allele frequency attached by ClinVar (database versions not stated): gnomAD exomes 0.00004 and 0.00022; gnomAD 0.00005; TOPMed 0.00012; ExAC 0.00016.

Submission:

Labcorp Genetics (formerly Invitae), Labcorp
Classification: Uncertain significance. Last evaluated: 2026-01-26. Review status: criteria provided, single submitter. Criteria: Invitae Variant Classification Sherloc (09022015). Collection method: clinical testing. Allele origin: germline.
Comment: This sequence change replaces arginine, which is basic and polar, with tryptophan, which is neutral and slightly polar, at codon 250 of the KIF20A protein (p.Arg250Trp). This variant is present in population databases (rs773275190, gnomAD 0.2%), and has an allele count higher than expected for a pathogenic variant. This variant has not been reported in the literature in individuals affected with KIF20A-related conditions. ClinVar contains an entry for this variant (Variation ID: 1517509). An algorithm developed to predict the effect of missense changes on protein structure and function (PolyPhen-2) suggests that this variant is likely to be disruptive. In summary, the available evidence is currently insufficient to determine the role of this variant in disease. Therefore, it has been classified as a Variant of Uncertain Significance.